The following is an entry in ClinVar:

NM_000038.6(APC):c.7202T>A (p.Leu2401Gln)

Gene: APC (APC regulator of Wnt signaling pathway; plus strand). Cytogenetic location: 5q22.2.
Variant type: single nucleotide variant.
Coding change: c.7202T>A on transcript NM_000038.6 (MANE Select); coding-DNA position 7202, T replaced by A.
Protein change: p.Leu2401Gln; replaces leucine 2401 with glutamine.
Molecular consequence: missense variant.
Genome position (GRCh38, 1-based): chr5:112,842,796, T>A. VCF-style: chr5-112842796-T-A. GRCh37 (hg19) VCF-style: chr5-112178493-T-A.
Other names: c.7202T>A, p.Leu2401Gln (NM_001127510.3, NM_001354895.2, NM_001407450.1); c.7148T>A, p.Leu2383Gln (NM_001127511.3); c.7256T>A, p.Leu2419Gln (NM_001354896.2, NM_001407447.1, NM_001407448.1 and 1 more transcripts); c.7232T>A, p.Leu2411Gln (NM_001354897.2); c.7127T>A, p.Leu2376Gln (NM_001354898.2); c.7118T>A, p.Leu2373Gln (NM_001354899.2); c.7079T>A, p.Leu2360Gln (NM_001354900.2); c.7025T>A, p.Leu2342Gln (NM_001354901.2, NM_001407453.1); and 11 more; short protein forms L2017Q, L2383Q, L2391Q, L2394Q, L2118Q, L2310Q, L2360Q, L2373Q.
Identifiers: ClinVar variation 1757677 (VCV001757677.2), dbSNP rs2533776319, ClinGen allele CA16037015.

ClinVar aggregate classification (germline): Uncertain significance (1 of 4 stars; one submission).

Conditions:
Hereditary cancer-predisposing syndrome. Also called: Neoplastic Syndromes, Hereditary; Tumor predisposition; Hereditary Cancer Syndrome; Hereditary neoplastic syndrome. Identifiers: Orphanet 140162, MedGen C0027672, MeSH D009386, MONDO:0015356.

Submission:

Ambry Genetics
Classification: Uncertain significance for Hereditary cancer-predisposing syndrome. Last evaluated: 2020-02-06. Review status: criteria provided, single submitter. Criteria: Ambry Variant Classification Scheme 2023. Collection method: clinical testing. Allele origin: germline.
Comment: The p.L2401Q variant (also known as c.7202T>A), located in coding exon 15 of the APC gene, results from a T to A substitution at nucleotide position 7202. The leucine at codon 2401 is replaced by glutamine, an amino acid with dissimilar properties. This amino acid position is highly conserved in available vertebrate species. In addition, in silico predictors for this gene do not accurately predict pathogenicity. Since supporting evidence is limited at this time, the clinical significance of this alteration remains unclear.